The following is an entry in ClinVar:

ClinVar aggregate classification (germline): Uncertain significance (1 of 4 stars; one submission).

Conditions:
Cataract 2, multiple types (CTRCT2). Also called: CATARACT 2, MULTIPLE TYPES, WITH OR WITHOUT MICROCORNEA; CATARACT 2, NUCLEAR, WITH MICROCORNEA; CATARACT 2, NUCLEAR; CATARACT 2, ZONULAR PULVERULENT. Identifiers: Orphanet 91492, MedGen C4721890, MONDO:0100436, OMIM 604307.

Allele frequency attached by ClinVar (database versions not stated): TOPMed 0.00002; gnomAD 0.00003; gnomAD exomes 0.00005; ExAC 0.00006.

Submission:

MGZ Medical Genetics Center
Classification: Uncertain significance for Cataract 2, multiple types. Last evaluated: 2022-07-07. Review status: criteria provided, single submitter. Criteria: ACMG Guidelines, 2015. Collection method: clinical testing. Allele origin: germline. Affected: yes. Observed: 1 variant allele.
Comment: ACMG criteria applied: PM2_SUP, PP3

NM_020989.4(CRYGC):c.403G>A (p.Glu135Lys)

Genes: CRYGC (crystallin gamma C; minus strand), LOC100507443 (uncharacterized LOC100507443; plus strand). Cytogenetic location: 2q33.3.
Variant type: single nucleotide variant.
Coding change: c.403G>A on transcript NM_020989.4 (MANE Select); coding-DNA position 403, G replaced by A.
Protein change: p.Glu135Lys; replaces glutamic acid 135 with lysine.
Molecular consequence: missense variant.
Genome position (GRCh38, 1-based): chr2:208,128,325, C>T on the plus strand (G>A on the coding strand, the complement: CRYGC is on the minus strand). VCF-style: chr2-208128325-C-T. GRCh37 (hg19) VCF-style: chr2-208993049-C-T.
Other names: short protein forms E135K.
Identifiers: ClinVar variation 1709652 (VCV001709652.2), dbSNP rs750872744, ClinGen allele CA2077848.